The following is an entry in ClinVar:

ClinVar aggregate classification (germline): Uncertain significance (1 of 4 stars; one submission).

Conditions:
Inborn genetic diseases. Identifiers: MedGen C0950123, MeSH D030342.

Submission:

Ambry Genetics
Classification: Uncertain significance for Inborn genetic diseases. Last evaluated: 2019-06-10. Review status: criteria provided, single submitter. Criteria: Ambry Variant Classification Scheme 2023. Collection method: clinical testing. Allele origin: germline.
Comment: The p.N675D variant (also known as c.2023A>G), located in coding exon 15 of the KCNQ3 gene, results from an A to G substitution at nucleotide position 2023. The asparagine at codon 675 is replaced by aspartic acid, an amino acid with highly similar properties. This amino acid position is not well conserved in available vertebrate species. In addition, this alteration is predicted to be tolerated by in silico analysis. Since supporting evidence is limited at this time, the clinical significance of this alteration remains unclear.

NM_004519.4(KCNQ3):c.2023A>G (p.Asn675Asp)

Gene: KCNQ3 (potassium voltage-gated channel subfamily Q member 3; minus strand). Cytogenetic location: 8q24.22.
Variant type: single nucleotide variant.
Coding change: c.2023A>G on transcript NM_004519.4 (MANE Select); coding-DNA position 2023, A replaced by G.
Protein change: p.Asn675Asp; replaces asparagine 675 with aspartic acid.
Molecular consequence: missense variant.
Genome position (GRCh38, 1-based): chr8:132,129,858, T>C on the plus strand (A>G on the coding strand, the complement: KCNQ3 is on the minus strand). VCF-style: chr8-132129858-T-C. GRCh37 (hg19) VCF-style: chr8-133142105-T-C.
Other names: c.1663A>G, p.Asn555Asp (NM_001204824.2); short protein forms N555D, N675D.
Identifiers: ClinVar variation 1784599 (VCV001784599.2), dbSNP rs2536858887, ClinGen allele CA372217111.